The following is an entry in ClinVar:

ClinVar aggregate classification (germline): Uncertain significance. Review status: criteria provided, multiple submitters, no conflicts (2 of 4 stars). 2 submissions from 2 submitters: Uncertain significance (2). Last evaluated 2025-08-20.

Conditions:
Primary ciliary dyskinesia. Also called: Ciliary dyskinesia. Identifiers: Orphanet 244, MedGen C0008780, MONDO:0016575, HP:0012265.
Primary ciliary dyskinesia 3. Identifiers: Orphanet 244, MedGen C1837618, MONDO:0012085, OMIM 608644.

Allele frequency attached by ClinVar (database versions not stated): gnomAD 0.00001; gnomAD exomes 0.00001.

Submissions (2):

Labcorp Genetics (formerly Invitae), Labcorp
Classification: Uncertain significance for Primary ciliary dyskinesia. Last evaluated: 2025-08-20. Review status: criteria provided, single submitter. Criteria: Invitae Variant Classification Sherloc (09022015). Collection method: clinical testing. Allele origin: germline.
Comment: This sequence change replaces methionine, which is neutral and non-polar, with valine, which is neutral and non-polar, at codon 1257 of the DNAH5 protein (p.Met1257Val). This variant is not present in population databases (gnomAD no frequency). This variant has not been reported in the literature in individuals affected with DNAH5-related conditions. ClinVar contains an entry for this variant (Variation ID: 351188). Invitae Evidence Modeling of protein sequence and biophysical properties (such as structural, functional, and spatial information, amino acid conservation, physicochemical variation, residue mobility, and thermodynamic stability) indicates that this missense variant is not expected to disrupt DNAH5 protein function with a negative predictive value of 95%. In summary, the available evidence is currently insufficient to determine the role of this variant in disease. Therefore, it has been classified as a Variant of Uncertain Significance.

Illumina Laboratory Services, Illumina
Classification: Uncertain significance for Primary ciliary dyskinesia 3. Last evaluated: 2018-01-13. Review status: criteria provided, single submitter. Criteria: ICSL Variant Classification Criteria 13 December 2019. Collection method: clinical testing. Allele origin: germline.

NM_001369.3(DNAH5):c.3769A>G (p.Met1257Val)

Genes: DNAH5 (dynein axonemal heavy chain 5; minus strand), DNAH5-AS1 (DNAH5 antisense RNA 1; plus strand). Cytogenetic location: 5p15.2.
Variant type: single nucleotide variant.
Coding change: c.3769A>G on transcript NM_001369.3 (MANE Select); coding-DNA position 3769, A replaced by G.
Protein change: p.Met1257Val; replaces methionine 1257 with valine.
Molecular consequence: missense variant.
Genome position (GRCh38, 1-based): chr5:13,870,832, T>C on the plus strand (A>G on the coding strand, the complement: DNAH5 is on the minus strand). VCF-style: chr5-13870832-T-C. GRCh37 (hg19) VCF-style: chr5-13870941-T-C.
Other names: short protein forms M1257V.
Identifiers: ClinVar variation 351188 (VCV000351188.6), dbSNP rs886060007, ClinGen allele CA10619129.